The following is an entry in ClinVar:

NM_005502.4(ABCA1):c.158A>G (p.Glu53Gly)

Gene: ABCA1 (ATP binding cassette subfamily A member 1; minus strand). Cytogenetic location: 9q31.1.
Variant type: single nucleotide variant.
Coding change: c.158A>G on transcript NM_005502.4 (MANE Select); coding-DNA position 158, A replaced by G.
Protein change: p.Glu53Gly; replaces glutamic acid 53 with glycine.
Molecular consequence: missense variant.
Genome position (GRCh38, 1-based): chr9:104,889,104, T>C on the plus strand (A>G on the coding strand, the complement: ABCA1 is on the minus strand). VCF-style: chr9-104889104-T-C. GRCh37 (hg19) VCF-style: chr9-107651385-T-C.
Other names: short protein forms E53G.
Identifiers: ClinVar variation 4236024 (VCV004236024.1).

ClinVar aggregate classification (germline): Uncertain significance (1 of 4 stars; one submission).

Conditions:
Cardiovascular phenotype. Identifiers: MedGen CN230736.

gnomAD v4.1: 14 of 1,613,564 alleles (0.00087%); highest among the groups gnomAD compares: Non-Finnish European, 0.0011%; no homozygotes.

Submission:

Ambry Genetics
Classification: Uncertain significance for Cardiovascular phenotype. Last evaluated: 2025-08-20. Review status: criteria provided, single submitter. Criteria: Ambry Variant Classification Scheme 2023. Collection method: clinical testing. Allele origin: germline.
Comment: The p.E53G variant (also known as c.158A>G), located in coding exon 2 of the ABCA1 gene, results from an A to G substitution at nucleotide position 158. The glutamic acid at codon 53 is replaced by glycine, an amino acid with similar properties. This amino acid position is conserved. In addition, this alteration is predicted to be deleterious by in silico analysis. Based on the available evidence, the clinical significance of this variant remains unclear.